The following is an entry in ClinVar:

NM_001042492.3(NF1):c.7583A>G (p.Gln2528Arg)

Gene: NF1 (neurofibromin 1; plus strand). Cytogenetic location: 17q11.2.
Variant type: single nucleotide variant.
Coding change: c.7583A>G on transcript NM_001042492.3 (MANE Select); coding-DNA position 7583, A replaced by G.
Protein change: p.Gln2528Arg; replaces glutamine 2528 with arginine.
Molecular consequence: missense variant.
Genome position (GRCh38, 1-based): chr17:31,352,382, A>G. VCF-style: chr17-31352382-A-G. GRCh37 (hg19) VCF-style: chr17-29679400-A-G.
Other names: c.7520A>G, p.Gln2507Arg (NM_000267.4); short protein forms Q2507R, Q2528R.
Identifiers: ClinVar variation 3237945 (VCV003237945.1), dbSNP rs2151577348.

ClinVar aggregate classification (germline): Uncertain significance (1 of 4 stars; one submission).

Conditions:
Hereditary cancer-predisposing syndrome. Also called: Neoplastic Syndromes, Hereditary; Tumor predisposition; Hereditary neoplastic syndrome; Hereditary Cancer Syndrome. Identifiers: Orphanet 140162, MedGen C0027672, MeSH D009386, MONDO:0015356.
Cardiovascular phenotype. Identifiers: MedGen CN230736.

Submission:

Ambry Genetics
Classification: Uncertain significance for Cardiovascular phenotype; Hereditary cancer-predisposing syndrome. Last evaluated: 2024-02-12. Review status: criteria provided, single submitter. Criteria: Ambry Variant Classification Scheme 2023. Collection method: clinical testing. Allele origin: germline.
Comment: The p.Q2507R variant (also known as c.7520A>G), located in coding exon 50 of the NF1 gene, results from an A to G substitution at nucleotide position 7520. The glutamine at codon 2507 is replaced by arginine, an amino acid with highly similar properties. This amino acid position is conserved. In addition, the in silico prediction for this alteration is inconclusive. Based on the available evidence, the clinical significance of this alteration remains unclear.